The following is an entry in ClinVar:

ClinVar aggregate classification (germline): Uncertain significance (1 of 4 stars; one submission).

Conditions:
Congenital myasthenic syndrome 8. Also called: MYASTHENIC SYNDROME, CONGENITAL, DUE TO AGRIN DEFICIENCY; Myasthenic syndrome, congenital, 8, with pre- and postsynaptic defects. Identifiers: Orphanet 590, MedGen C3808739, MONDO:0014052, OMIM 615120.

Submission:

Labcorp Genetics (formerly Invitae), Labcorp
Classification: Uncertain significance for Congenital myasthenic syndrome 8. Last evaluated: 2024-11-12. Review status: criteria provided, single submitter. Criteria: Invitae Variant Classification Sherloc (09022015). Collection method: clinical testing. Allele origin: germline.
Comment: This sequence change replaces glycine, which is neutral and non-polar, with valine, which is neutral and non-polar, at codon 294 of the AGRN protein (p.Gly294Val). This variant is not present in population databases (gnomAD no frequency). This variant has not been reported in the literature in individuals affected with AGRN-related conditions. An algorithm developed to predict the effect of missense changes on protein structure and function (PolyPhen-2) suggests that this variant is likely to be disruptive. In summary, the available evidence is currently insufficient to determine the role of this variant in disease. Therefore, it has been classified as a Variant of Uncertain Significance.

NM_198576.4(AGRN):c.881G>T (p.Gly294Val)

Gene: AGRN (agrin; plus strand). Cytogenetic location: 1p36.33.
Variant type: single nucleotide variant.
Coding change: c.881G>T on transcript NM_198576.4 (MANE Select); coding-DNA position 881, G replaced by T.
Protein change: p.Gly294Val; replaces glycine 294 with valine.
Molecular consequence: missense variant.
Genome position (GRCh38, 1-based): chr1:1,041,326, G>T. VCF-style: chr1-1041326-G-T. GRCh37 (hg19) VCF-style: chr1-976706-G-T.
Other names: c.881G>T, p.Gly294Val (NM_001305275.2); c.566G>T, p.Gly189Val (NM_001364727.2); short protein forms G189V, G294V.
Identifiers: ClinVar variation 3624393 (VCV003624393.2).
Genomic context (GRCh38, chr1:1,041,326, plus strand): 5'-CGACCTGCCGTGGCGCCCCCGAGGGGACCGTCTGCGGCAGCGACGGCGCCGACTACCCCG[G>T]CGAGTGCCAGCTCCTGCGCCGCGCCTGCGCCCGCCAGGAGAATGTCTTCAAGAAGTTCGA-3'
Protein context (NP_940978.2, residues 284-304): VCGSDGADYP[Gly294Val]ECQLLRRACA